The following is an entry in ClinVar:

NM_004304.5(ALK):c.1408A>G (p.Met470Val)

Gene: ALK (ALK receptor tyrosine kinase; minus strand). Cytogenetic location: 2p23.2.
Variant type: single nucleotide variant.
Coding change: c.1408A>G on transcript NM_004304.5 (MANE Select); coding-DNA position 1408, A replaced by G.
Protein change: p.Met470Val; replaces methionine 470 with valine.
Molecular consequence: missense variant.
Genome position (GRCh38, 1-based): chr2:29,328,356, T>C on the plus strand (A>G on the coding strand, the complement: ALK is on the minus strand). VCF-style: chr2-29328356-T-C. GRCh37 (hg19) VCF-style: chr2-29551222-T-C.
Other names: short protein forms M470V.
Identifiers: ClinVar variation 1771948 (VCV001771948.7), dbSNP rs2465459085, ClinGen allele CA346474093.

ClinVar aggregate classification (germline): Uncertain significance. Review status: criteria provided, multiple submitters, no conflicts (2 of 4 stars). 2 submissions from 2 submitters: Uncertain significance (2). Last evaluated 2024-05-04.

Conditions:
Neuroblastoma, susceptibility to, 3. Also called: ALK-Related Neuroblastic Tumor Susceptibility. Identifiers: Orphanet 635, MedGen C2751681, MONDO:0013083, OMIM 613014.
Hereditary cancer-predisposing syndrome. Also called: Tumor predisposition; Neoplastic Syndromes, Hereditary; Hereditary Cancer Syndrome; Hereditary neoplastic syndrome. Identifiers: Orphanet 140162, MedGen C0027672, MeSH D009386, MONDO:0015356.

Submissions (2):

Labcorp Genetics (formerly Invitae), Labcorp
Classification: Uncertain significance for Neuroblastoma, susceptibility to, 3. Last evaluated: 2024-05-04. Review status: criteria provided, single submitter. Criteria: Invitae Variant Classification Sherloc (09022015). Collection method: clinical testing. Allele origin: germline.
Comment: This sequence change replaces methionine, which is neutral and non-polar, with valine, which is neutral and non-polar, at codon 470 of the ALK protein (p.Met470Val). This variant is not present in population databases (gnomAD no frequency). This variant has not been reported in the literature in individuals affected with ALK-related conditions. ClinVar contains an entry for this variant (Variation ID: 1771948). An algorithm developed to predict the effect of missense changes on protein structure and function (PolyPhen-2) suggests that this variant is likely to be tolerated. Algorithms developed to predict the effect of sequence changes on RNA splicing suggest that this variant may disrupt the consensus splice site. In summary, the available evidence is currently insufficient to determine the role of this variant in disease. Therefore, it has been classified as a Variant of Uncertain Significance.

Ambry Genetics
Classification: Uncertain significance for Hereditary cancer-predisposing syndrome. Last evaluated: 2022-09-10. Review status: criteria provided, single submitter. Criteria: Ambry Variant Classification Scheme 2023. Collection method: clinical testing. Allele origin: germline.
Comment: The p.M470V variant (also known as c.1408A>G), located in coding exon 6 of the ALK gene, results from an A to G substitution at nucleotide position 1408. The methionine at codon 470 is replaced by valine, an amino acid with highly similar properties. This amino acid position is conserved. In addition, this alteration is predicted to be tolerated by in silico analysis. Since supporting evidence is limited at this time, the clinical significance of this alteration remains unclear.